The following is an entry in ClinVar:

ClinVar aggregate classification (germline): Uncertain significance. Review status: criteria provided, single submitter (1 of 4 stars). 2 submissions from 2 submitters: Uncertain significance (1). 1 of the submissions does not count toward it. Last evaluated 2025-08-25.

Conditions:
PLXNA4-related disorder. Also called: PLXNA4-related condition.

gnomAD v4.1: 13 of 1,614,020 alleles (0.00081%); highest among the groups gnomAD compares: African/African-American, 0.0013%; no homozygotes.

Submissions (2):

Ambry Genetics
Classification: Uncertain significance. Last evaluated: 2025-08-25. Review status: criteria provided, single submitter. Criteria: Ambry Variant Classification Scheme 2023. Collection method: clinical testing. Allele origin: germline.

PreventionGenetics, part of Exact Sciences
Classification: Uncertain significance for PLXNA4-related condition. Last evaluated: 2024-08-17. Review status: no assertion criteria provided. Collection method: clinical testing. Allele origin: germline. Not counted in ClinVar's aggregate classification.
Comment: The PLXNA4 c.1679G>A variant is predicted to result in the amino acid substitution p.Arg560Gln. To our knowledge, this variant has not been reported in the literature. This variant is reported in 0.0033% of alleles in individuals of South Asian descent in gnomAD. At this time, the clinical significance of this variant is uncertain due to the absence of conclusive functional and genetic evidence.

NM_020911.2(PLXNA4):c.1679G>A (p.Arg560Gln)

Gene: PLXNA4 (plexin A4; minus strand). Cytogenetic location: 7q32.3.
Variant type: single nucleotide variant.
Coding change: c.1679G>A on transcript NM_020911.2 (MANE Select); coding-DNA position 1679, G replaced by A.
Protein change: p.Arg560Gln; replaces arginine 560 with glutamine.
Molecular consequence: missense variant.
Genome position (GRCh38, 1-based): chr7:132,228,395, C>T on the plus strand (G>A on the coding strand, the complement: PLXNA4 is on the minus strand). VCF-style: chr7-132228395-C-T. GRCh37 (hg19) VCF-style: chr7-131913154-C-T.
Other names: c.1679G>A, p.Arg560Gln (NM_001393897.1); short protein forms R560Q.
Identifiers: ClinVar variation 3351312 (VCV003351312.2).